The following is an entry in ClinVar:

NM_000136.3(FANCC):c.250+1G>A

Gene: FANCC (FA complementation group C; minus strand). Cytogenetic location: 9q22.32.
Variant type: single nucleotide variant.
Coding change: c.250+1G>A on transcript NM_000136.3 (MANE Select); the canonical splice donor site of the intron after coding-DNA position 250, G replaced by A.
Molecular consequence: splice donor variant.
Genome position (GRCh38, 1-based): chr9:95,247,431, C>T on the plus strand (G>A on the coding strand, the complement: FANCC is on the minus strand). VCF-style: chr9-95247431-C-T. GRCh37 (hg19) VCF-style: chr9-98009713-C-T.
Other names: c.250+1G>A (NM_001243743.2, NM_001243744.2).
Identifiers: ClinVar variation 1471441 (VCV001471441.8), dbSNP rs2136090597, ClinGen allele CA374339983.

ClinVar aggregate classification (germline): Likely pathogenic (1 of 4 stars; one submission).

Conditions:
Fanconi anemia (FA). Also called: Fanconi's anemia. Identifiers: Orphanet 84, MedGen C0015625, MeSH D005199, MONDO:0019391.

Submission:

Labcorp Genetics (formerly Invitae), Labcorp
Classification: Likely pathogenic for Fanconi anemia. Last evaluated: 2022-10-07. Review status: criteria provided, single submitter. Criteria: Invitae Variant Classification Sherloc (09022015). Collection method: clinical testing. Allele origin: germline.
Comment: This sequence change affects a donor splice site in intron 3 of the FANCC gene. It is expected to disrupt RNA splicing. Variants that disrupt the donor or acceptor splice site typically lead to a loss of protein function (PMID: 16199547), and loss-of-function variants in FANCC are known to be pathogenic (PMID: 17924555). This variant is not present in population databases (gnomAD no frequency). In summary, the currently available evidence indicates that the variant is pathogenic, but additional data are needed to prove that conclusively. Therefore, this variant has been classified as Likely Pathogenic. Algorithms developed to predict the effect of sequence changes on RNA splicing suggest that this variant may disrupt the consensus splice site. ClinVar contains an entry for this variant (Variation ID: 1471441). This variant has not been reported in the literature in individuals affected with FANCC-related conditions.

Literature cited by the submitters: PubMed 16199547; PubMed 17924555.